The following is an entry in ClinVar:

NM_004985.5(KRAS):c.182A>G (p.Gln61Arg)

Gene: KRAS (KRas proto-oncogene, GTPase; minus strand). Cytogenetic location: 12p12.1.
Variant type: single nucleotide variant.
Coding change: c.182A>G on transcript NM_004985.5 (MANE Select); coding-DNA position 182, A replaced by G.
Protein change: p.Gln61Arg; replaces glutamine 61 with arginine.
Molecular consequence: missense variant.
Genome position (GRCh38, 1-based): chr12:25,227,342, T>C on the plus strand (A>G on the coding strand, the complement: KRAS is on the minus strand). VCF-style: chr12-25227342-T-C. GRCh37 (hg19) VCF-style: chr12-25380276-T-C.
Other names: c.182A>G, p.Gln61Arg (NM_001369786.1, NM_001369787.1, NM_033360.4); short protein forms Q61R.
Identifiers: ClinVar variation 45115 (VCV000045115.23), dbSNP rs121913240, ClinGen allele CA261702.

ClinVar aggregate classification (germline): Conflicting classifications of pathogenicity. Review status: criteria provided, conflicting classifications (1 of 4 stars). 4 submissions from 4 submitters: Pathogenic (1); Uncertain significance (2). 1 of the submissions does not count toward it. Last evaluated 2021-02-03.
ClinVar aggregate classification (somatic clinical impact): Tier I - Strong (1 of 4 stars; one submission).
ClinVar aggregate classification (oncogenicity): Oncogenic (1 of 4 stars; one submission).

Conditions:
Noonan syndrome and Noonan-related syndrome. Identifiers: Orphanet 98733, MedGen C5681679, MONDO:0020297.
Lung cancer. Also called: Lung cancer, somatic; Malignant tumor of lung. Identifiers: MedGen C0242379, MONDO:0008903, OMIM 211980.
RASopathy. Also called: rasopathies; Noonan spectrum disorder. Identifiers: Orphanet 536391, MedGen C5555857, MONDO:0021060.
Noonan syndrome (NS). Also called: Noonan's syndrome. Identifiers: Orphanet 648, MedGen C0028326, MeSH D009634, MONDO:0018997. Disease mechanism: gain of function.
Pilocytic astrocytoma. Also called: Pilocytic astrocytoma, somatic. Identifiers: Orphanet 251612, MedGen C0334583, MONDO:0016691, HP:0033680.
Neoplasm. Also called: tumor; Neoplasms; Neoplasm (disease). Identifiers: MedGen C0027651, MeSH D009369, MONDO:0005070, HP:0002664.

Submissions (6):

Center for Genomic Medicine, Rigshospitalet, Copenhagen University Hospital
Classification: Oncogenic for Neoplasm. Last evaluated: 2026-10-16. Review status: criteria provided, single submitter. Criteria: ClinGen/CGC/VICC Guidelines for Oncogenicity, 2022. Collection method: clinical testing. Allele origin: somatic. Affected: yes.

Institute for Genomic Medicine (IGM) Clinical Laboratory, Nationwide Children's Hospital
Classification: Tier I - Strong for Pilocytic astrocytoma. Assertion type: diagnostic. Clinical significance: supports diagnosis. Last evaluated: 2025-02-12. Review status: criteria provided, single submitter. Criteria: AMP/ASCO/CAP Guidelines, 2017. Collection method: clinical testing. Allele origin: somatic. Affected: yes.
Comment: Variant has Tier I (strong) clinical significance as a diagnostic inclusion criterion in pilocytic astrocytoma, based on the following evidence: 1) Documented in one or more cancer databases (e.g., St. Jude Pecan, COSMIC, CIViC, OncoKB). 2) Appears in one or more well-established professional guidelines (e.g., World Health Organization [WHO]; National Comprehensive Cancer Network [NCCN]) as providing diagnostic, prognostic, or therapeutic information. 3) Information in the literature supports potential biologic effect of variant (PMIDs: 34117033, 25437878, 26037647). 4) Diagnostic for a specific tumor type/classification based on well-powered studies with expert-level consensus (Evidence Level B; PMIDs: 30496796, 34525976, 23583981, 19373855).

Genome Diagnostics Laboratory, The Hospital for Sick Children
Classification: Uncertain significance for Noonan syndrome and Noonan-related syndrome. Last evaluated: 2021-02-03. Review status: criteria provided, single submitter. Criteria: ACMG Guidelines, 2015. Collection method: clinical testing. Allele origin: germline.

Labcorp Genetics (formerly Invitae), Labcorp
Classification: Uncertain significance for RASopathy. Last evaluated: 2019-05-23. Review status: criteria provided, single submitter. Criteria: Invitae Variant Classification Sherloc (09022015). Collection method: clinical testing. Allele origin: germline.
Comment: This sequence change replaces glutamine with arginine at codon 61 of the KRAS protein (p.Gln61Arg). The glutamine residue is highly conserved and there is a small physicochemical difference between glutamine and arginine. In summary, the available evidence is currently insufficient to determine the role of this variant in disease. Therefore, it has been classified as a Variant of Uncertain Significance. Algorithms developed to predict the effect of missense changes on protein structure and function are either unavailable or do not agree on the potential impact of this missense change (SIFT: "Deleterious"; PolyPhen-2: "Benign"; Align-GVGD: "Class C35"). This variant has been reported as a recurrent variant in tumors (PMID: 26985062); however, this variant has not been reported as a germline variant in affected individuals. ClinVar contains an entry for this variant (Variation ID: 45115). This variant is not present in population databases (ExAC no frequency).

Laboratory for Molecular Medicine, Mass General Brigham Personalized Medicine
Classification: Pathogenic for Noonan syndrome. Last evaluated: 2009-11-04. Review status: criteria provided, single submitter. Criteria: LMM Criteria. Collection method: clinical testing. Allele origin: germline. Observed: 1 variant allele.

Key Laboratory of Carcinogenesis and Cancer Invasion, Central South University
Classification: Likely pathogenic for Lung cancer. Review status: no assertion criteria provided. Collection method: clinical testing. Allele origin: somatic. Affected: yes. Not counted in ClinVar's aggregate classification.

Literature cited by the submitters: PubMed 34117033 (cited by Center for Genomic Medicine, Rigshospitalet, Copenhagen University Hospital and Institute for Genomic Medicine (IGM) Clinical Laboratory, Nationwide Children's Hospital); PubMed 30181243 (cited by Center for Genomic Medicine, Rigshospitalet, Copenhagen University Hospital); PubMed 25437878 (cited by Institute for Genomic Medicine (IGM) Clinical Laboratory, Nationwide Children's Hospital); PubMed 26037647 (cited by Institute for Genomic Medicine (IGM) Clinical Laboratory, Nationwide Children's Hospital); PubMed 30496796 (cited by Institute for Genomic Medicine (IGM) Clinical Laboratory, Nationwide Children's Hospital); PubMed 34525976 (cited by Institute for Genomic Medicine (IGM) Clinical Laboratory, Nationwide Children's Hospital); PubMed 23583981 (cited by Institute for Genomic Medicine (IGM) Clinical Laboratory, Nationwide Children's Hospital); PubMed 19373855 (cited by Institute for Genomic Medicine (IGM) Clinical Laboratory, Nationwide Children's Hospital); PubMed 26985062 (cited by Labcorp Genetics (formerly Invitae), Labcorp); PubMed 20526288 (cited by Laboratory for Molecular Medicine, Mass General Brigham Personalized Medicine).